The following is an entry in ClinVar:

NM_012203.2(GRHPR):c.983T>C (p.Leu328Pro)

Gene: GRHPR (glyoxylate and hydroxypyruvate reductase; plus strand). Cytogenetic location: 9p13.2.
Variant type: single nucleotide variant.
Coding change: c.983T>C on transcript NM_012203.2 (MANE Select); coding-DNA position 983, T replaced by C.
Protein change: p.Leu328Pro; replaces leucine 328 with proline.
Molecular consequence: missense variant.
Genome position (GRCh38, 1-based): chr9:37,436,778, T>C. VCF-style: chr9-37436778-T-C. GRCh37 (hg19) VCF-style: chr9-37436775-T-C.
Other names: short protein forms L328P.
Identifiers: ClinVar variation 4858205 (VCV004858205.1).
Genomic context (GRCh38, chr9:37,436,778, plus strand): 5'-TGGCAGCTAACAACTTGCTGGCTGGCCTGAGAGGGGAGCCGATGCCTAGTGAACTCAAGC[T>C]GTAGCCAAACAGTAGAGATGGAGGGCCGGGAAGCAAACCGTGCCCTGGTATTGTCAGACA-3'
Protein context (NP_036335.1, residues 318-328): RGEPMPSELK[Leu328Pro]

ClinVar aggregate classification (germline): Uncertain significance (1 of 4 stars; one submission).

Conditions:
Nephrolithiasis/nephrocalcinosis. Identifiers: MedGen CN580796.

gnomAD v4.1: 1 of 1,614,012 alleles (0.000062%); no homozygotes.

Submission:

Ambry Genetics
Classification: Uncertain significance for Nephrolithiasis/nephrocalcinosis. Last evaluated: 2026-06-09. Review status: criteria provided, single submitter. Criteria: Ambry Variant Classification Scheme 2023. Collection method: clinical testing. Allele origin: germline.
Comment: The p.L328P variant (also known as c.983T>C), located in coding exon 9 of the GRHPR gene, results from a T to C substitution at nucleotide position 983. The leucine at codon 328 is replaced by proline, an amino acid with similar properties. This amino acid position is conserved. In addition, the in silico prediction for this alteration is inconclusive. Based on the available evidence, the clinical significance of this variant remains unclear.